The following is an entry in ClinVar:

NM_198252.3(GSN):c.790G>A (p.Val264Met)

Gene: GSN (gelsolin; plus strand). Cytogenetic location: 9q33.2.
Variant type: single nucleotide variant.
Coding change: c.790G>A on transcript NM_198252.3 (MANE Select); coding-DNA position 790, G replaced by A.
Protein change: p.Val264Met; replaces valine 264 with methionine.
Molecular consequence: missense variant.
Genome position (GRCh38, 1-based): chr9:121,317,122, G>A. VCF-style: chr9-121317122-G-A. GRCh37 (hg19) VCF-style: chr9-124079400-G-A.
Other names: c.943G>A, p.Val315Met (NM_000177.5); c.790G>A, p.Val264Met (NM_001127662.2, NM_001127664.2, NM_001127665.2 and 10 more transcripts); c.898G>A, p.Val300Met (NM_001127663.2); c.823G>A, p.Val275Met (NM_001127666.2, NM_001127667.2, NM_001353063.2 and 13 more transcripts); c.841G>A, p.Val281Met (NM_001258029.2); c.814G>A, p.Val272Met (NM_001258030.2); c.862G>A, p.Val288Met (NM_001353076.2); c.136G>A, p.Val46Met (NM_001353078.2); short protein forms V264M, V300M, V281M, V275M, V272M, V288M, V315M, V46M.
Identifiers: ClinVar variation 1391185 (VCV001391185.6), dbSNP rs1336006305, ClinGen allele CA374743184.

ClinVar aggregate classification (germline): Uncertain significance (1 of 4 stars; one submission).

Allele frequency attached by ClinVar (database versions not stated): gnomAD exomes below 0.00001; TOPMed 0.00001; gnomAD 0.00002.
gnomAD v4.1: 10 of 1,613,998 alleles (0.00062%); highest among the groups gnomAD compares: Middle Eastern, 0.033%; no homozygotes.

Submission:

Labcorp Genetics (formerly Invitae), Labcorp
Classification: Uncertain significance. Last evaluated: 2022-08-27. Review status: criteria provided, single submitter. Criteria: Invitae Variant Classification Sherloc (09022015). Collection method: clinical testing. Allele origin: germline.
Comment: This sequence change replaces valine, which is neutral and non-polar, with methionine, which is neutral and non-polar, at codon 315 of the GSN protein (p.Val315Met). This variant is present in population databases (no rsID available, gnomAD 0.01%). This variant has not been reported in the literature in individuals affected with GSN-related conditions. ClinVar contains an entry for this variant (Variation ID: 1391185). Algorithms developed to predict the effect of missense changes on protein structure and function are either unavailable or do not agree on the potential impact of this missense change (SIFT: "Deleterious"; PolyPhen-2: "Probably Damaging"; Align-GVGD: "Class C0"). In summary, the available evidence is currently insufficient to determine the role of this variant in disease. Therefore, it has been classified as a Variant of Uncertain Significance.